The following is an entry in ClinVar:

ClinVar aggregate classification (germline): Uncertain significance (1 of 4 stars; one submission).

gnomAD v4.1: 152 of 1,551,122 alleles (0.0098%); highest among the groups gnomAD compares: East Asian, 0.36%; no homozygotes.

Submission:

Labcorp Genetics (formerly Invitae), Labcorp
Classification: Uncertain significance. Last evaluated: 2025-04-07. Review status: criteria provided, single submitter. Criteria: Invitae Variant Classification Sherloc (09022015). Collection method: clinical testing. Allele origin: germline.
Comment: This sequence change replaces isoleucine, which is neutral and non-polar, with threonine, which is neutral and polar, at codon 1024 of the FAM65B protein (p.Ile1024Thr). This variant is present in population databases (rs144093957, gnomAD 0.2%), and has an allele count higher than expected for a pathogenic variant. This variant has not been reported in the literature in individuals affected with FAM65B-related conditions. An algorithm developed to predict the effect of missense changes on protein structure and function (PolyPhen-2) suggests that this variant is likely to be tolerated. In summary, the available evidence is currently insufficient to determine the role of this variant in disease. Therefore, it has been classified as a Variant of Uncertain Significance.

NM_001286445.3(RIPOR2):c.3008T>C (p.Ile1003Thr)

Gene: RIPOR2 (RHO family interacting cell polarization regulator 2; minus strand). Cytogenetic location: 6p22.3.
Variant type: single nucleotide variant.
Coding change: c.3008T>C on transcript NM_001286445.3 (MANE Select); coding-DNA position 3008, T replaced by C.
Protein change: p.Ile1003Thr; replaces isoleucine 1003 with threonine.
Molecular consequence: missense variant.
Genome position (GRCh38, 1-based): chr6:24,809,752, A>G on the plus strand (T>C on the coding strand, the complement: RIPOR2 is on the minus strand). VCF-style: chr6-24809752-A-G. GRCh37 (hg19) VCF-style: chr6-24809980-A-G.
Other names: c.2921T>C, p.Ile974Thr (NM_001346031.2, NM_001346032.2); c.3071T>C, p.Ile1024Thr (NM_014722.5); short protein forms I1003T, I1024T, I974T.
Identifiers: ClinVar variation 4754548 (VCV004754548.1).